The following is an entry in ClinVar:

NM_001754.5(RUNX1):c.1395C>T (p.Asn465=)

Gene: RUNX1 (RUNX family transcription factor 1; minus strand). Cytogenetic location: 21q22.12.
Variant type: single nucleotide variant.
Coding change: c.1395C>T on transcript NM_001754.5 (MANE Select); coding-DNA position 1395, C replaced by T.
Protein change: p.Asn465=; no amino-acid change (asparagine 465 retained).
Molecular consequence: synonymous variant.
Genome position (GRCh38, 1-based): chr21:34,792,183, G>A on the plus strand (C>T on the coding strand, the complement: RUNX1 is on the minus strand). VCF-style: chr21-34792183-G-A. GRCh37 (hg19) VCF-style: chr21-36164480-G-A.
Other names: NM_001754.5(RUNX1):c.1395C>T; p.Asn465=; c.1314C>T, p.Asn438= (NM_001001890.3); c.1395C>T (NM_001754.4).
Identifiers: ClinVar variation 1090205 (VCV001090205.11), dbSNP rs1447497062, ClinGen allele CA512232128.

ClinVar aggregate classification (germline): Likely benign. Review status: reviewed by expert panel (3 of 4 stars). 3 submissions from 3 submitters: Likely benign (1). 2 of the submissions do not count toward it. Last evaluated 2022-04-08.

Conditions:
Hereditary thrombocytopenia and hematologic cancer predisposition syndrome. Identifiers: Orphanet 71290, MedGen CN281654, MONDO:0011071.
Inborn genetic diseases. Identifiers: MedGen C0950123, MeSH D030342.
Hereditary thrombocytopenia and hematological cancer predisposition syndrome associated with RUNX1. Also called: PLATELET DISORDER, ASPIRIN-LIKE; RUNX1 Familial Platelet Disorder with Associated Myeloid Malignancies; Familial Platelet Disorder with Propensity to Acute Myelogenous Leukemia; Familial thrombocytopenia with propensity to acute myelogenous leukemia. Identifiers: Orphanet 71290, MedGen C1832388, MeSH C563324, MONDO:0100083, OMIM 601399.

Allele frequency attached by ClinVar (database versions not stated): gnomAD exomes below 0.00001.
gnomAD v4.1: 2 of 1,534,436 alleles (0.00013%); highest among the groups gnomAD compares: Non-Finnish European, 0.00017%; no homozygotes.

Submissions (3):

ClinGen Myeloid Malignancy Variant Curation Expert Panel
Classification: Likely benign for Hereditary thrombocytopenia and hematologic cancer predisposition syndrome. Last evaluated: 2022-04-08. Review status: reviewed by expert panel. Criteria: ClinGen MyeloMalig ACMG Specifications v2. Collection method: curation. Allele origin: germline. Inheritance: Autosomal dominant inheritance.
Comment: NM_001754.5(RUNX1):c.1395C>T (p.Asn465=) is a synonymous variant. Evolutionary conservation prediction algorithms predict the site as not being conserved (phyloP 1.74357 is <2.0) meeting BP7. The variant is synonymous therefore no REVEL score and SpliceAI is ≤0.20 (0.00)(BP4). In summary, this variant meets criteria to be classified as likely benign. ACMG/AMP criteria applied, as specified by the Myeloid Malignancy Variant Curation Expert Panel for RUNX1: BP4 and BP7

Ambry Genetics
Classification: Likely benign for Inborn genetic diseases. Last evaluated: 2025-10-21. Review status: criteria provided, single submitter. Criteria: Ambry Variant Classification Scheme 2023. Collection method: clinical testing. Allele origin: germline. Not counted in ClinVar's aggregate classification.

Labcorp Genetics (formerly Invitae), Labcorp
Classification: Likely benign for Hereditary thrombocytopenia and hematological cancer predisposition syndrome associated with RUNX1. Last evaluated: 2020-04-07. Review status: criteria provided, single submitter. Criteria: Invitae Variant Classification Sherloc (09022015). Collection method: clinical testing. Allele origin: germline. Not counted in ClinVar's aggregate classification.